The following is an entry in ClinVar:

ClinVar aggregate classification (germline): Benign (0 of 4 stars; one submission).

Conditions:
DDX53-related disorder. Also called: DDX53-related condition.

Allele frequency attached by ClinVar (database versions not stated): gnomAD exomes 0.14461; ExAC 0.20401; gnomAD 0.26100; TOPMed 0.27066; ESP Exome Variant Server 0.27511; 1000 Genomes Project 0.34066; 1000 Genomes Project 30x 0.34089.

Submission:

PreventionGenetics, part of Exact Sciences
Classification: Benign for DDX53-related condition. Last evaluated: 2019-10-21. Review status: no assertion criteria provided. Collection method: clinical testing. Allele origin: germline.
Comment: This variant is classified as benign based on ACMG/AMP sequence variant interpretation guidelines (Richards et al. 2015 PMID: 25741868, with internal and published modifications).

NM_182699.4(DDX53):c.1172G>T (p.Arg391Met)

Genes: DDX53 (DEAD-box helicase 53; plus strand), PTCHD1-AS (PTCHD1 antisense RNA (head to head); minus strand). Cytogenetic location: Xp22.11.
Variant type: single nucleotide variant.
Coding change: c.1172G>T on transcript NM_182699.4 (MANE Select); coding-DNA position 1172, G replaced by T.
Protein change: p.Arg391Met; replaces arginine 391 with methionine.
Molecular consequence: missense variant.
Genome position (GRCh38, 1-based): chrX:23,001,229, G>T. VCF-style: chrX-23001229-G-T. GRCh37 (hg19) VCF-style: chrX-23019346-G-T.
Other names: short protein forms R391M.
Identifiers: ClinVar variation 3055441 (VCV003055441.2), dbSNP rs5926203, ClinGen allele CA10368835.